The following is an entry in ClinVar:

NM_012463.4(ATP6V0A2):c.868A>G (p.Lys290Glu)

Gene: ATP6V0A2 (ATPase H+ transporting V0 subunit a2; plus strand). Cytogenetic location: 12q24.31.
Variant type: single nucleotide variant.
Coding change: c.868A>G on transcript NM_012463.4 (MANE Select); coding-DNA position 868, A replaced by G.
Protein change: p.Lys290Glu; replaces lysine 290 with glutamic acid.
Molecular consequence: missense variant.
Genome position (GRCh38, 1-based): chr12:123,737,101, A>G. VCF-style: chr12-123737101-A-G. GRCh37 (hg19) VCF-style: chr12-124221648-A-G.
Other names: short protein forms K290E.
Identifiers: ClinVar variation 1211118 (VCV001211118.21), dbSNP rs772170459, ClinGen allele CA6861764.

ClinVar aggregate classification (germline): Uncertain significance. Review status: criteria provided, multiple submitters, no conflicts (2 of 4 stars). 4 submissions from 4 submitters: Uncertain significance (4). Last evaluated 2024-11-27.

Conditions:
ATP6V0A2-related disorder. Also called: ATP6V0A2-related condition.
ALG9 congenital disorder of glycosylation (CDG1L). Also called: CONGENITAL DISORDER OF GLYCOSYLATION, TYPE Il; ALG9-CDG; CDG Il. Identifiers: Orphanet 79328, MedGen C2931006, MONDO:0012117, OMIM 608776.

Allele frequency attached by ClinVar (database versions not stated): gnomAD 0.00003; ExAC 0.00004; gnomAD exomes 0.00004 and 0.00013; TOPMed 0.00005.
gnomAD v4.1: 197 of 1,614,132 alleles (0.012%); highest among the groups gnomAD compares: Non-Finnish European, 0.016%; no homozygotes.

Submissions (4):

PreventionGenetics, part of Exact Sciences
Classification: Uncertain significance for ATP6V0A2-related condition. Last evaluated: 2024-11-27. Review status: criteria provided, single submitter. Criteria: ACMG Guidelines, 2015. Collection method: clinical testing. Allele origin: germline.
Comment: The ATP6V0A2 c.868A>G variant is predicted to result in the amino acid substitution p.Lys290Glu. To our knowledge, this variant has not been reported in the literature. This variant is reported in 0.0085% of alleles in individuals of European (Non-Finnish) descent in gnomAD. At this time, the clinical significance of this variant is uncertain due to the absence of conclusive functional and genetic evidence.

GeneDx
Classification: Uncertain significance. Last evaluated: 2024-10-03. Review status: criteria provided, single submitter. Criteria: GeneDx Variant Classification Process June 2021. Collection method: clinical testing. Allele origin: germline. Affected: yes.
Comment: Not observed at significant frequency in large population cohorts (gnomAD); In silico analysis indicates that this missense variant does not alter protein structure/function; Has not been previously published as pathogenic or benign to our knowledge

CeGaT Center for Human Genetics Tuebingen
Classification: Uncertain significance. Last evaluated: 2024-10-01. Review status: criteria provided, single submitter. Criteria: CeGaT Center For Human Genetics Tuebingen Variant Classification Criteria Version 2. Collection method: clinical testing. Allele origin: germline. Affected: yes. Observed: 1 variant allele.
Comment: ATP6V0A2: PM2

Labcorp Genetics (formerly Invitae), Labcorp
Classification: Uncertain significance for ALG9 congenital disorder of glycosylation. Last evaluated: 2021-12-22. Review status: criteria provided, single submitter. Criteria: Invitae Variant Classification Sherloc (09022015). Collection method: clinical testing. Allele origin: germline.
Comment: This sequence change replaces lysine, which is basic and polar, with glutamic acid, which is acidic and polar, at codon 290 of the ATP6V0A2 protein (p.Lys290Glu). This variant is present in population databases (rs772170459, gnomAD 0.009%). This variant has not been reported in the literature in individuals affected with ATP6V0A2-related conditions. ClinVar contains an entry for this variant (Variation ID: 1211118). Algorithms developed to predict the effect of missense changes on protein structure and function (SIFT, PolyPhen-2, Align-GVGD) all suggest that this variant is likely to be tolerated. In summary, the available evidence is currently insufficient to determine the role of this variant in disease. Therefore, it has been classified as a Variant of Uncertain Significance.